The following is an entry in ClinVar:

ClinVar aggregate classification (germline): Uncertain significance (1 of 4 stars; one submission).

Conditions:
Hereditary cancer-predisposing syndrome. Also called: Neoplastic Syndromes, Hereditary; Tumor predisposition; Hereditary Cancer Syndrome; Hereditary neoplastic syndrome. Identifiers: Orphanet 140162, MedGen C0027672, MeSH D009386, MONDO:0015356.

Submission:

Ambry Genetics
Classification: Uncertain significance for Hereditary cancer-predisposing syndrome. Last evaluated: 2022-01-10. Review status: criteria provided, single submitter. Criteria: Ambry Variant Classification Scheme 2023. Collection method: clinical testing. Allele origin: germline.
Comment: The p.G29E variant (also known as c.86G>A), located in coding exon 1 of the DICER1 gene, results from a G to A substitution at nucleotide position 86. The glycine at codon 29 is replaced by glutamic acid, an amino acid with similar properties. This amino acid position is highly conserved in available vertebrate species. In addition, this alteration is predicted to be deleterious by in silico analysis. Since supporting evidence is limited at this time, the clinical significance of this alteration remains unclear.

NM_177438.3(DICER1):c.86G>A (p.Gly29Glu)

Gene: DICER1 (dicer 1, ribonuclease III; minus strand). Cytogenetic location: 14q32.13.
Variant type: single nucleotide variant.
Coding change: c.86G>A on transcript NM_177438.3 (MANE Select); coding-DNA position 86, G replaced by A.
Protein change: p.Gly29Glu; replaces glycine 29 with glutamic acid.
Molecular consequence: missense variant. On other transcripts: 5 prime UTR variant (8), non-coding transcript variant (6), intron variant (1).
Genome position (GRCh38, 1-based): chr14:95,133,373, C>T on the plus strand (G>A on the coding strand, the complement: DICER1 is on the minus strand). VCF-style: chr14-95133373-C-T. GRCh37 (hg19) VCF-style: chr14-95599710-C-T.
Other names: c.86G>A, p.Gly29Glu (NM_001195573.1, NM_001271282.3, NM_001291628.2 and 15 more transcripts); c.-189G>A (NM_001395686.1, NM_001395688.1, NM_001395689.1 and 3 more transcripts); c.-373G>A (NM_001395691.1); c.-1483G>A (NM_001395697.1); c.-130-696G>A (NM_001395687.1); short protein forms G29E.
Identifiers: ClinVar variation 1764361 (VCV001764361.2), dbSNP rs766491650, ClinGen allele CA390890505.